The following is an entry in ClinVar:

ClinVar aggregate classification (germline): Uncertain significance. Review status: criteria provided, multiple submitters, no conflicts (2 of 4 stars). 3 submissions from 3 submitters: Uncertain significance (3). Last evaluated 2026-07-30.
ClinVar aggregate classification (oncogenicity): Uncertain significance (1 of 4 stars; one submission).

Conditions:
Hereditary cancer-predisposing syndrome. Also called: Hereditary Cancer Syndrome; Tumor predisposition; Hereditary neoplastic syndrome; Neoplastic Syndromes, Hereditary. Identifiers: Orphanet 140162, MedGen C0027672, MeSH D009386, MONDO:0015356.
Familial thoracic aortic aneurysm and aortic dissection (TAAD). Also called: Thoracic aortic aneurysms and dissections. Identifiers: Orphanet 91387, MedGen C4707243, MONDO:0019625.
Juvenile polyposis syndrome (JPS). Identifiers: Orphanet 2929, MedGen C0345893, MONDO:0017380, OMIM 174900.
Neoplasm. Also called: tumor; Neoplasms; Neoplasm (disease). Identifiers: MedGen C0027651, MeSH D009369, MONDO:0005070, HP:0002664.

Allele frequency attached by ClinVar (database versions not stated): gnomAD exomes below 0.00001.
gnomAD v4.1: 1 of 1,613,950 alleles (0.000062%); highest among the groups gnomAD compares: Non-Finnish European, 0.000085%; no homozygotes.

Submissions (4):

Center for Genomic Medicine, Rigshospitalet, Copenhagen University Hospital
Classification: Uncertain significance for Neoplasm. Last evaluated: 2026-10-16. Review status: criteria provided, single submitter. Criteria: ClinGen/CGC/VICC Guidelines for Oncogenicity, 2022. Collection method: clinical testing. Allele origin: somatic. Affected: yes.

Ambry Genetics
Classification: Uncertain significance for Hereditary cancer-predisposing syndrome; Familial thoracic aortic aneurysm and aortic dissection. Last evaluated: 2026-07-30. Review status: criteria provided, single submitter. Criteria: Ambry Variant Classification Scheme 2023. Collection method: clinical testing. Allele origin: germline.
Comment: The p.R97C variant (also known as c.289C>T), located in coding exon 2 of the SMAD4 gene, results from a C to T substitution at nucleotide position 289. The arginine at codon 97 is replaced by cysteine, an amino acid with highly dissimilar properties. This amino acid position is highly conserved in available vertebrate species. In addition, this alteration is predicted to be deleterious by in silico analysis. Based on the available evidence, the clinical significance of this variant remains unclear.

Labcorp Genetics (formerly Invitae), Labcorp
Classification: Uncertain significance for Juvenile polyposis syndrome. Last evaluated: 2025-04-10. Review status: criteria provided, single submitter. Criteria: Invitae Variant Classification Sherloc (09022015). Collection method: clinical testing. Allele origin: germline.
Comment: This sequence change replaces arginine, which is basic and polar, with cysteine, which is neutral and slightly polar, at codon 97 of the SMAD4 protein (p.Arg97Cys). This variant is not present in population databases (gnomAD no frequency). This variant has not been reported in the literature in individuals affected with SMAD4-related conditions. ClinVar contains an entry for this variant (Variation ID: 520188). Invitae Evidence Modeling of protein sequence and biophysical properties (such as structural, functional, and spatial information, amino acid conservation, physicochemical variation, residue mobility, and thermodynamic stability) has been performed for this missense variant. However, the output from this modeling did not meet the statistical confidence thresholds required to predict the impact of this variant on SMAD4 protein function. In summary, the available evidence is currently insufficient to determine the role of this variant in disease. Therefore, it has been classified as a Variant of Uncertain Significance.

GeneDx
Classification: Uncertain significance. Last evaluated: 2024-03-28. Review status: criteria provided, single submitter. Criteria: GeneDx Variant Classification Process June 2021. Collection method: clinical testing. Allele origin: germline. Affected: yes.
Comment: Has not been previously published as pathogenic or benign to our knowledge; Not observed at significant frequency in large population cohorts (gnomAD); In silico analysis supports that this missense variant has a deleterious effect on protein structure/function; This variant is associated with the following publications: (PMID: 15235019, 18823382, 22992590)

NM_005359.6(SMAD4):c.289C>T (p.Arg97Cys)

Gene: SMAD4 (SMAD family member 4; plus strand). Cytogenetic location: 18q21.2.
Variant type: single nucleotide variant.
Coding change: c.289C>T on transcript NM_005359.6 (MANE Select); coding-DNA position 289, C replaced by T.
Protein change: p.Arg97Cys; replaces arginine 97 with cysteine.
Molecular consequence: missense variant.
Genome position (GRCh38, 1-based): chr18:51,048,725, C>T. VCF-style: chr18-51048725-C-T. GRCh37 (hg19) VCF-style: chr18-48575095-C-T.
Other names: short protein forms R97C.
Identifiers: ClinVar variation 520188 (VCV000520188.17), dbSNP rs1555685158, ClinGen allele CA402458251.